The following is an entry in ClinVar:

ClinVar aggregate classification (germline): Uncertain significance (1 of 4 stars; one submission).

Submission:

Labcorp Genetics (formerly Invitae), Labcorp
Classification: Uncertain significance. Last evaluated: 2021-11-15. Review status: criteria provided, single submitter. Criteria: Invitae Variant Classification Sherloc (09022015). Collection method: clinical testing. Allele origin: germline.
Comment: This variant is not present in population databases (gnomAD no frequency). In summary, the available evidence is currently insufficient to determine the role of this variant in disease. Therefore, it has been classified as a Variant of Uncertain Significance. Algorithms developed to predict the effect of missense changes on protein structure and function output the following: SIFT: "Tolerated"; PolyPhen-2: "Possibly Damaging"; Align-GVGD: "Class C0". The serine amino acid residue is found in multiple mammalian species, which suggests that this missense change does not adversely affect protein function. This variant has not been reported in the literature in individuals affected with IL12RB2-related conditions. This sequence change replaces asparagine, which is neutral and polar, with serine, which is neutral and polar, at codon 129 of the IL12RB2 protein (p.Asn129Ser).

NM_001374259.2(IL12RB2):c.386A>G (p.Asn129Ser)

Gene: IL12RB2 (interleukin 12 receptor subunit beta 2; plus strand). Cytogenetic location: 1p31.3.
Variant type: single nucleotide variant.
Coding change: c.386A>G on transcript NM_001374259.2 (MANE Select); coding-DNA position 386, A replaced by G.
Protein change: p.Asn129Ser; replaces asparagine 129 with serine.
Molecular consequence: missense variant. On other transcripts: non-coding transcript variant (2).
Genome position (GRCh38, 1-based): chr1:67,326,756, A>G. VCF-style: chr1-67326756-A-G. GRCh37 (hg19) VCF-style: chr1-67792439-A-G.
Other names: c.386A>G, p.Asn129Ser (NM_001258214.1, NM_001258215.1, NM_001258216.1 and 2 more transcripts); short protein forms N129S.
Identifiers: ClinVar variation 1422650 (VCV001422650.6), dbSNP rs2100645775, ClinGen allele CA340731759.